The following is an entry in ClinVar:

NM_177438.3(DICER1):c.229C>T (p.Leu77Phe)

Gene: DICER1 (dicer 1, ribonuclease III; minus strand). Cytogenetic location: 14q32.13.
Variant type: single nucleotide variant.
Coding change: c.229C>T on transcript NM_177438.3 (MANE Select); coding-DNA position 229, C replaced by T.
Protein change: p.Leu77Phe; replaces leucine 77 with phenylalanine.
Molecular consequence: missense variant.
Genome position (GRCh38, 1-based): chr14:95,132,593, G>A on the plus strand (C>T on the coding strand, the complement: DICER1 is on the minus strand). VCF-style: chr14-95132593-G-A. GRCh37 (hg19) VCF-style: chr14-95598930-G-A.
Other names: c.229C>T, p.Leu77Phe (NM_030621.4, NM_001195573.1, NM_001271282.3 and 1 more transcripts); short protein forms L77F.
Identifiers: ClinVar variation 1062334 (VCV001062334.10), dbSNP rs2140288238, ClinGen allele CA390889899.

ClinVar aggregate classification (germline): Uncertain significance (1 of 4 stars; one submission).

Conditions:
DICER1-related tumor predisposition. Also called: DICER1 syndrome; DICER1-related pleuropulmonary blastoma cancer predisposition syndrome. Identifiers: Orphanet 284343, MedGen C3839822, MONDO:0100216.

Submission:

Labcorp Genetics (formerly Invitae), Labcorp
Classification: Uncertain significance for DICER1-related tumor predisposition. Last evaluated: 2023-12-12. Review status: criteria provided, single submitter. Criteria: Invitae Variant Classification Sherloc (09022015). Collection method: clinical testing. Allele origin: germline.
Comment: This sequence change replaces leucine, which is neutral and non-polar, with phenylalanine, which is neutral and non-polar, at codon 77 of the DICER1 protein (p.Leu77Phe). This variant is not present in population databases (gnomAD no frequency). This variant has not been reported in the literature in individuals affected with DICER1-related conditions. ClinVar contains an entry for this variant (Variation ID: 1062334). Advanced modeling of protein sequence and biophysical properties (such as structural, functional, and spatial information, amino acid conservation, physicochemical variation, residue mobility, and thermodynamic stability) has been performed at Invitae for this missense variant, however the output from this modeling did not meet the statistical confidence thresholds required to predict the impact of this variant on DICER1 protein function. In summary, the available evidence is currently insufficient to determine the role of this variant in disease. Therefore, it has been classified as a Variant of Uncertain Significance.